The following is an entry in ClinVar:

ClinVar aggregate classification (germline): Uncertain significance (1 of 4 stars; one submission).

Submission:

Labcorp Genetics (formerly Invitae), Labcorp
Classification: Uncertain significance. Last evaluated: 2024-12-02. Review status: criteria provided, single submitter. Criteria: Invitae Variant Classification Sherloc (09022015). Collection method: clinical testing. Allele origin: germline.
Comment: This sequence change replaces alanine, which is neutral and non-polar, with lysine, which is basic and polar, at codon 799 of the VLDLR protein (p.Ala799Lys). Information on the frequency of this variant in the gnomAD database is not available, as this variant may be reported differently in the database. This variant has not been reported in the literature in individuals affected with VLDLR-related conditions. An algorithm developed to predict the effect of missense changes on protein structure and function (PolyPhen-2) suggests that this variant is likely to be disruptive. In summary, the available evidence is currently insufficient to determine the role of this variant in disease. Therefore, it has been classified as a Variant of Uncertain Significance.

NM_003383.5(VLDLR):c.2395_2396delinsAA (p.Ala799Lys)

Gene: VLDLR (very low density lipoprotein receptor; plus strand). Cytogenetic location: 9p24.2.
Variant type: Indel.
Coding change: c.2395_2396delinsAA on transcript NM_003383.5 (MANE Select); coding-DNA positions 2395 to 2396, GC replaced by AA.
Protein change: p.Ala799Lys; replaces alanine 799 with lysine.
Molecular consequence: missense variant.
Genome position (GRCh38, 1-based): chr9:2,651,933-2,651,934, GC replaced by AA. VCF-style: chr9-2651933-GC-AA. GRCh37 (hg19) VCF-style: chr9-2651933-GC-AA.
Other names: c.2311_2312delinsAA, p.Ala771Lys (NM_001018056.3); c.2272_2273delinsAA, p.Ala758Lys (NM_001322225.2); c.2188_2189delinsAA, p.Ala730Lys (NM_001322226.2); short protein forms A730K, A758K, A799K, A771K.
Identifiers: ClinVar variation 3681144 (VCV003681144.2).